The following is an entry in ClinVar:

ClinVar aggregate classification (germline): Uncertain significance (1 of 4 stars; one submission).

Conditions:
Hereditary cancer-predisposing syndrome. Also called: Neoplastic Syndromes, Hereditary; Tumor predisposition; Hereditary Cancer Syndrome; Hereditary neoplastic syndrome. Identifiers: Orphanet 140162, MedGen C0027672, MeSH D009386, MONDO:0015356.

Allele frequency attached by ClinVar (database versions not stated): gnomAD exomes below 0.00001; ExAC 0.00001.
gnomAD v4.1: 1 of 1,614,188 alleles (0.000062%); highest among the groups gnomAD compares: Non-Finnish European, 0.000085%; no homozygotes.

Submission:

Color Diagnostics, LLC DBA Color Health
Classification: Uncertain significance for Hereditary cancer-predisposing syndrome. Last evaluated: 2023-12-05. Review status: criteria provided, single submitter. Criteria: ACMG Guidelines, 2015. Collection method: clinical testing. Allele origin: germline.
Comment: This missense variant replaces asparagine with aspartic acid at codon 1531 of the APC protein. Computational prediction suggests that this variant may not impact protein structure and function (internally defined REVEL score threshold <= 0.5, PMID: 27666373). To our knowledge, functional studies have not been reported for this variant. This variant has not been reported in individuals affected with APC-related disorders in the literature. This variant has been identified in 1/250412 chromosomes in the general population by the Genome Aggregation Database (gnomAD). The available evidence is insufficient to determine the role of this variant in disease conclusively. Therefore, this variant is classified as a Variant of Uncertain Significance.

NM_000038.6(APC):c.4591A>G (p.Asn1531Asp)

Gene: APC (APC regulator of Wnt signaling pathway; plus strand). Cytogenetic location: 5q22.2.
Variant type: single nucleotide variant.
Coding change: c.4591A>G on transcript NM_000038.6 (MANE Select); coding-DNA position 4591, A replaced by G.
Protein change: p.Asn1531Asp; replaces asparagine 1531 with aspartic acid.
Molecular consequence: missense variant.
Genome position (GRCh38, 1-based): chr5:112,840,185, A>G. VCF-style: chr5-112840185-A-G. GRCh37 (hg19) VCF-style: chr5-112175882-A-G.
Other names: c.4591A>G, p.Asn1531Asp (NM_001127510.3, NM_001354895.2); c.4537A>G, p.Asn1513Asp (NM_001127511.3); c.4645A>G, p.Asn1549Asp (NM_001354896.2); c.4621A>G, p.Asn1541Asp (NM_001354897.2); c.4516A>G, p.Asn1506Asp (NM_001354898.2); c.4507A>G, p.Asn1503Asp (NM_001354899.2); c.4468A>G, p.Asn1490Asp (NM_001354900.2); c.4414A>G, p.Asn1472Asp (NM_001354901.2); and 5 more; short protein forms N1248D, N1440D, N1472D, N1503D, N1541D, N1371D, N1506D, N1513D.
Identifiers: ClinVar variation 925157 (VCV000925157.4), dbSNP rs771096141, ClinGen allele CA039436.